The following is an entry in ClinVar:

NM_003816.3(ADAM9):c.2074A>T (p.Asn692Tyr)

Gene: ADAM9 (ADAM metallopeptidase domain 9; plus strand). Cytogenetic location: 8p11.22.
Variant type: single nucleotide variant.
Coding change: c.2074A>T on transcript NM_003816.3 (MANE Select); coding-DNA position 2074, A replaced by T.
Protein change: p.Asn692Tyr; replaces asparagine 692 with tyrosine.
Molecular consequence: missense variant. On other transcripts: non-coding transcript variant (2).
Genome position (GRCh38, 1-based): chr8:39,090,052, A>T. VCF-style: chr8-39090052-A-T. GRCh37 (hg19) VCF-style: chr8-38947571-A-T.
Other names: short protein forms N692Y.
Identifiers: ClinVar variation 1012040 (VCV001012040.6), dbSNP rs201381097, ClinGen allele CA175205192.

ClinVar aggregate classification (germline): Uncertain significance. Review status: criteria provided, multiple submitters, no conflicts (2 of 4 stars). 2 submissions from 2 submitters: Uncertain significance (2). Last evaluated 2024-07-15.

Allele frequency attached by ClinVar (database versions not stated): gnomAD 0.00001; TOPMed 0.00001.
gnomAD v4.1: 7 of 1,613,758 alleles (0.00043%); highest among the groups gnomAD compares: Middle Eastern, 0.016%; no homozygotes.

Submissions (2):

Blueprint Genetics
Classification: Uncertain significance. Last evaluated: 2024-07-15. Review status: criteria provided, single submitter. Criteria: ACMG Guidelines, 2015. Collection method: clinical testing. Allele origin: germline.

Labcorp Genetics (formerly Invitae), Labcorp
Classification: Uncertain significance. Last evaluated: 2022-10-05. Review status: criteria provided, single submitter. Criteria: Invitae Variant Classification Sherloc (09022015). Collection method: clinical testing. Allele origin: germline.
Comment: This sequence change replaces asparagine, which is neutral and polar, with tyrosine, which is neutral and polar, at codon 692 of the ADAM9 protein (p.Asn692Tyr). This variant is present in population databases (rs201381097, gnomAD 0.002%). This variant has not been reported in the literature in individuals affected with ADAM9-related conditions. ClinVar contains an entry for this variant (Variation ID: 1012040). Advanced modeling of protein sequence and biophysical properties (such as structural, functional, and spatial information, amino acid conservation, physicochemical variation, residue mobility, and thermodynamic stability) performed at Invitae indicates that this missense variant is not expected to disrupt ADAM9 protein function. In summary, the available evidence is currently insufficient to determine the role of this variant in disease. Therefore, it has been classified as a Variant of Uncertain Significance.